The following is an entry in ClinVar:

NM_000215.4(JAK3):c.1284C>A (p.Cys428Ter)

Gene: JAK3 (Janus kinase 3; minus strand). Cytogenetic location: 19p13.11.
Variant type: single nucleotide variant.
Coding change: c.1284C>A on transcript NM_000215.4 (MANE Select); coding-DNA position 1284, C replaced by A.
Protein change: p.Cys428Ter; replaces cysteine 428 with a stop codon.
Molecular consequence: nonsense.
Genome position (GRCh38, 1-based): chr19:17,839,634, G>T on the plus strand (C>A on the coding strand, the complement: JAK3 is on the minus strand). VCF-style: chr19-17839634-G-T. GRCh37 (hg19) VCF-style: chr19-17950443-G-T.
Other names: short protein forms C428*.
Identifiers: ClinVar variation 2815803 (VCV002815803.3), dbSNP rs771722300, ClinGen allele CA404770436.

ClinVar aggregate classification (germline): Pathogenic (1 of 4 stars; one submission).

Conditions:
T-B+ severe combined immunodeficiency due to JAK3 deficiency. Also called: SCID, T CELL-NEGATIVE, B CELL-POSITIVE, NK CELL-NEGATIVE; SCID, autosomal recessive, T-negative/B-positive type. Identifiers: Orphanet 35078, MedGen C1833275, MONDO:0010938, OMIM 600802.

Submission:

Labcorp Genetics (formerly Invitae), Labcorp
Classification: Pathogenic for T-B+ severe combined immunodeficiency due to JAK3 deficiency. Last evaluated: 2022-12-02. Review status: criteria provided, single submitter. Criteria: Invitae Variant Classification Sherloc (09022015). Collection method: clinical testing. Allele origin: germline.
Comment: For these reasons, this variant has been classified as Pathogenic. This variant has not been reported in the literature in individuals affected with JAK3-related conditions. This variant is not present in population databases (gnomAD no frequency). This sequence change creates a premature translational stop signal (p.Cys428*) in the JAK3 gene. It is expected to result in an absent or disrupted protein product. Loss-of-function variants in JAK3 are known to be pathogenic (PMID: 7481768, 11668621).

Literature cited by the submitters: PubMed 7481768; PubMed 11668621.